The following is an entry in ClinVar:

ClinVar aggregate classification (germline): Likely benign. Review status: criteria provided, multiple submitters, no conflicts (2 of 4 stars). 2 submissions from 2 submitters: Likely benign (2). Last evaluated 2026-04-13.

Conditions:
BBS12-related disorder. Also called: BBS12-related condition.
Bardet-Biedl syndrome (BBS). Identifiers: Orphanet 110, MedGen C0752166, MONDO:0015229.

Allele frequency attached by ClinVar (database versions not stated): TOPMed below 0.00001; ExAC 0.00001; gnomAD 0.00001; gnomAD exomes 0.00001; 1000 Genomes Project 0.00020; 1000 Genomes Project 30x 0.00031.
gnomAD v4.1: 10 of 1,604,830 alleles (0.00062%); highest among the groups gnomAD compares: Admixed American, 0.0034%; no homozygotes.

Submissions (2):

PreventionGenetics, part of Exact Sciences
Classification: Likely benign for BBS12-related condition. Last evaluated: 2026-04-13. Review status: criteria provided, single submitter. Criteria: ACMG Guidelines, 2015. Collection method: clinical testing. Allele origin: germline.
Comment: This variant is classified as likely benign based on ACMG/AMP sequence variant interpretation guidelines (Richards et al. 2015 PMID: 25741868, with internal and published modifications).

Labcorp Genetics (formerly Invitae), Labcorp
Classification: Likely benign for Bardet-Biedl syndrome. Last evaluated: 2022-08-16. Review status: criteria provided, single submitter. Criteria: Invitae Variant Classification Sherloc (09022015). Collection method: clinical testing. Allele origin: germline.

NM_152618.3(BBS12):c.2001A>G (p.Thr667=)

Gene: BBS12 (Bardet-Biedl syndrome 12; plus strand). Cytogenetic location: 4q27.
Variant type: single nucleotide variant.
Coding change: c.2001A>G on transcript NM_152618.3 (MANE Select); coding-DNA position 2001, A replaced by G.
Protein change: p.Thr667=; no amino-acid change (threonine 667 retained).
Molecular consequence: synonymous variant.
Genome position (GRCh38, 1-based): chr4:122,743,893, A>G. VCF-style: chr4-122743893-A-G. GRCh37 (hg19) VCF-style: chr4-123665048-A-G.
Other names: c.2001A>G (NM_152618.2); c.2001A>G, p.Thr667= (NM_001178007.2).
Identifiers: ClinVar variation 1150003 (VCV001150003.8), dbSNP rs539331301, ClinGen allele CA3069544.